The following is an entry in ClinVar:

ClinVar aggregate classification (germline): Likely pathogenic (1 of 4 stars; one submission).

Conditions:
Wilson disease (WND). Also called: Wilson's disease. Identifiers: Orphanet 905, MedGen C0019202, MONDO:0010200, OMIM 277900. Disease mechanism: loss of function.

Submission:

Dr. Moinak Lab, Sanjay Gandhi Postgraduate Institute of Medical Sciences
Classification: Likely pathogenic for Wilson disease. Last evaluated: 2024-05-15. Review status: criteria provided, single submitter. Criteria: ACMG Guidelines, 2015. Collection method: clinical testing. Allele origin: germline. Inheritance: Autosomal recessive inheritance. Affected: yes. Observed: 1 compound heterozygote.
Comment: ATP7B: c.700_701delinsTGA is a novel nonsense variant involving a complex dinucleotide substitution in exon 2. This alteration replaces two nucleotides with a three-nucleotide insertion, resulting in the substitution of Arginine at codon 234 with a premature termination codon (p.Arg234*), predicted to produce a truncated, non-functional protein

Literature cited by the submitters: PubMed 20301685.

NM_000053.4(ATP7B):c.700_701delinsTGA (p.Arg234Ter)

Gene: ATP7B (ATPase copper transporting beta; minus strand). Cytogenetic location: 13q14.3.
Variant type: Indel.
Coding change: c.700_701delinsTGA on transcript NM_000053.4 (MANE Select); coding-DNA positions 700 to 701, AG replaced by TGA.
Protein change: p.Arg234Ter; replaces arginine 234 with a stop codon.
Molecular consequence: nonsense.
Genome position (GRCh38, 1-based): chr13:51,974,519-51,974,520, CT replaced by TCA on the plus strand (AG replaced by TGA on the coding strand, the reverse complement: ATP7B is on the minus strand). VCF-style: chr13-51974519-CT-TCA. GRCh37 (hg19) VCF-style: chr13-52548655-CT-TCA.
Other names: c.700_701delinsTGA, p.Arg234Ter (NM_001406521.1, NM_001406522.1, NM_001406523.1 and 30 more transcripts); c.604_605delinsTGA, p.Arg202Ter (NM_001406530.1, NM_001406543.1, NM_001406544.1 and 4 more transcripts); short protein forms R202*, R234*.
Identifiers: ClinVar variation 4528920 (VCV004528920.1).